The following is an entry in ClinVar:

NM_006859.4(LIAS):c.637A>G (p.Thr213Ala)

Gene: LIAS (lipoic acid synthetase; plus strand). Cytogenetic location: 4p14.
Variant type: single nucleotide variant.
Coding change: c.637A>G on transcript NM_006859.4 (MANE Select); coding-DNA position 637, A replaced by G.
Protein change: p.Thr213Ala; replaces threonine 213 with alanine.
Molecular consequence: missense variant. On other transcripts: intron variant (1).
Genome position (GRCh38, 1-based): chr4:39,467,546, A>G. VCF-style: chr4-39467546-A-G. GRCh37 (hg19) VCF-style: chr4-39469166-A-G.
Other names: p.T213A:ACT>GCT; c.328A>G, p.Thr110Ala (NM_001363700.2); c.637A>G, p.Thr213Ala (NM_194451.3); c.608+2204A>G (NM_001278590.2); short protein forms T213A, T110A.
Identifiers: ClinVar variation 206048 (VCV000206048.10), dbSNP rs374709255, ClinGen allele CA315756.

ClinVar aggregate classification (germline): Uncertain significance. Review status: criteria provided, multiple submitters, no conflicts (2 of 4 stars). 3 submissions from 3 submitters: Uncertain significance (3). Last evaluated 2024-10-30.

Conditions:
Inborn genetic diseases. Identifiers: MedGen C0950123, MeSH D030342.
Lipoic acid synthetase deficiency. Also called: HYPERGLYCINEMIA, LACTIC ACIDOSIS, AND SEIZURES. Identifiers: Orphanet 401859, MedGen C3280887, MONDO:0013762, OMIM 614462.

Allele frequency attached by ClinVar (database versions not stated): ExAC 0.00006; gnomAD 0.00007 and 0.00008; TOPMed 0.00007; ESP Exome Variant Server 0.00015; gnomAD exomes 0.00004.
gnomAD v4.1: 92 of 1,606,544 alleles (0.0057%); highest among the groups gnomAD compares: Non-Finnish European, 0.0077%; no homozygotes.

Submissions (3):

GeneDx
Classification: Uncertain significance. Last evaluated: 2024-10-30. Review status: criteria provided, single submitter. Criteria: GeneDx Variant Classification Process June 2021. Collection method: clinical testing. Allele origin: germline. Affected: yes.
Comment: Not observed at significant frequency in large population cohorts (gnomAD); In silico analysis supports that this missense variant has a deleterious effect on protein structure/function; Has not been previously published as pathogenic or benign to our knowledge

Labcorp Genetics (formerly Invitae), Labcorp
Classification: Uncertain significance for Lipoic acid synthetase deficiency. Last evaluated: 2024-10-30. Review status: criteria provided, single submitter. Criteria: Invitae Variant Classification Sherloc (09022015). Collection method: clinical testing. Allele origin: germline.
Comment: This sequence change replaces threonine, which is neutral and polar, with alanine, which is neutral and non-polar, at codon 213 of the LIAS protein (p.Thr213Ala). This variant is present in population databases (rs374709255, gnomAD 0.01%). This variant has not been reported in the literature in individuals affected with LIAS-related conditions. ClinVar contains an entry for this variant (Variation ID: 206048). Invitae Evidence Modeling of protein sequence and biophysical properties (such as structural, functional, and spatial information, amino acid conservation, physicochemical variation, residue mobility, and thermodynamic stability) indicates that this missense variant is not expected to disrupt LIAS protein function with a negative predictive value of 80%. In summary, the available evidence is currently insufficient to determine the role of this variant in disease. Therefore, it has been classified as a Variant of Uncertain Significance.

Ambry Genetics
Classification: Uncertain significance for Inborn genetic diseases. Last evaluated: 2021-09-30. Review status: criteria provided, single submitter. Criteria: Ambry Variant Classification Scheme 2023. Collection method: clinical testing. Allele origin: germline.